The following is an entry in ClinVar:

ClinVar aggregate classification (germline): Uncertain significance (1 of 4 stars; one submission).

Allele frequency attached by ClinVar (database versions not stated): gnomAD exomes below 0.00001.
gnomAD v4.1: 1 of 1,614,138 alleles (0.000062%); highest among the groups gnomAD compares: Non-Finnish European, 0.000085%; no homozygotes.

Submission:

GeneDx
Classification: Uncertain significance. Last evaluated: 2022-12-07. Review status: criteria provided, single submitter. Criteria: GeneDx Variant Classification Process June 2021. Collection method: clinical testing. Allele origin: germline. Affected: yes.
Comment: Not observed at significant frequency in large population cohorts (gnomAD); In silico analysis supports that this missense variant has a deleterious effect on protein structure/function; Has not been previously published as pathogenic or benign to our knowledge

NM_006445.4(PRPF8):c.2684G>C (p.Gly895Ala)

Gene: PRPF8 (pre-mRNA processing factor 8; minus strand). Cytogenetic location: 17p13.3.
Variant type: single nucleotide variant.
Coding change: c.2684G>C on transcript NM_006445.4 (MANE Select); coding-DNA position 2684, G replaced by C.
Protein change: p.Gly895Ala; replaces glycine 895 with alanine.
Molecular consequence: missense variant.
Genome position (GRCh38, 1-based): chr17:1,675,808, C>G on the plus strand (G>C on the coding strand, the complement: PRPF8 is on the minus strand). VCF-style: chr17-1675808-C-G. GRCh37 (hg19) VCF-style: chr17-1579102-C-G.
Other names: short protein forms G895A.
Identifiers: ClinVar variation 2505000 (VCV002505000.1), dbSNP rs2543766939, ClinGen allele CA397548832.
Genomic context (GRCh38, chr17:1,675,808, plus strand): 5'-TCCAGGGGCTCAACATCATATACTGGAACGAGGTGGCTATACAGATCCATGAACTCAATG[C>G]CCACCTGTGGGACAAGGAGGCTGGTTCACACCAATCCACCAACTGCTACCTTTGGTAGAA-3'
Protein context (NP_006436.3, residues 885-905): LLTQRAFKEV[Gly895Ala]IEFMDLYSHL